The following is an entry in ClinVar:

NM_006030.4(CACNA2D2):c.1604A>G (p.Lys535Arg)

Gene: CACNA2D2 (calcium voltage-gated channel auxiliary subunit alpha2delta 2; minus strand). Cytogenetic location: 3p21.31.
Variant type: single nucleotide variant.
Coding change: c.1604A>G on transcript NM_006030.4 (MANE Select); coding-DNA position 1604, A replaced by G.
Protein change: p.Lys535Arg; replaces lysine 535 with arginine.
Molecular consequence: missense variant.
Genome position (GRCh38, 1-based): chr3:50,377,489, T>C on the plus strand (A>G on the coding strand, the complement: CACNA2D2 is on the minus strand). VCF-style: chr3-50377489-T-C. GRCh37 (hg19) VCF-style: chr3-50414920-T-C.
Other names: c.1604A>G, p.Lys535Arg (NM_001005505.3, NM_001174051.3); c.1397A>G, p.Lys466Arg (NM_001291101.1); short protein forms K466R, K535R.
Identifiers: ClinVar variation 846303 (VCV000846303.3), dbSNP rs1357228417, ClinGen allele CA352927382.
Genomic context (GRCh38, chr3:50,377,489, plus strand): 5'-GGGAGGCAGGGTACGCGGATGGGCAGGGGGATGCTCACCGTGTAGTTGGGGGTCAGCCTC[T>C]TGATGTCATTCAGAGCCACGTCAATGCCCATCACGCCCAGGATCAGCTGGTTCTGGGAGC-3'
Protein context (NP_006021.2, residues 525-545): MGIDVALNDI[Lys535Arg]RLTPNYTLGA

ClinVar aggregate classification (germline): Uncertain significance (1 of 4 stars; one submission).

Conditions:
Developmental and epileptic encephalopathy. Identifiers: MedGen C5779964, MONDO:0100620.

Allele frequency attached by ClinVar (database versions not stated): TOPMed below 0.00001; gnomAD exomes 0.00001.
gnomAD v4.1: 3 of 1,613,178 alleles (0.00019%); highest among the groups gnomAD compares: Admixed American, 0.005%; no homozygotes.

Submission:

Labcorp Genetics (formerly Invitae), Labcorp
Classification: Uncertain significance for Early-infantile DEE. Last evaluated: 2019-03-21. Review status: criteria provided, single submitter. Criteria: Invitae Variant Classification Sherloc (09022015). Collection method: clinical testing. Allele origin: germline.
Comment: This sequence change replaces lysine with arginine at codon 535 of the CACNA2D2 protein (p.Lys535Arg). The lysine residue is moderately conserved and there is a small physicochemical difference between lysine and arginine. This variant is not present in population databases (ExAC no frequency). This variant has not been reported in the literature in individuals with CACNA2D2-related conditions. Algorithms developed to predict the effect of missense changes on protein structure and function (SIFT, PolyPhen-2, Align-GVGD) all suggest that this variant is likely to be tolerated, but these predictions have not been confirmed by published functional studies and their clinical significance is uncertain. Algorithms developed to predict the effect of sequence changes on RNA splicing suggest that this variant may create or strengthen a splice site, but this prediction has not been confirmed by published transcriptional studies. In summary, the available evidence is currently insufficient to determine the role of this variant in disease. Therefore, it has been classified as a Variant of Uncertain Significance.